The following is an entry in ClinVar:

NM_012200.4(B3GAT3):c.547C>T (p.Pro183Ser)

Gene: B3GAT3 (beta-1,3-glucuronyltransferase 3; minus strand). Cytogenetic location: 11q12.3.
Variant type: single nucleotide variant.
Coding change: c.547C>T on transcript NM_012200.4 (MANE Select); coding-DNA position 547, C replaced by T.
Protein change: p.Pro183Ser; replaces proline 183 with serine.
Molecular consequence: missense variant. On other transcripts: non-coding transcript variant (1).
Genome position (GRCh38, 1-based): chr11:62,617,058, G>A on the plus strand (C>T on the coding strand, the complement: B3GAT3 is on the minus strand). VCF-style: chr11-62617058-G-A. GRCh37 (hg19) VCF-style: chr11-62384530-G-A.
Other names: c.526C>T, p.Pro176Ser (NM_001288721.2); c.547C>T, p.Pro183Ser (NM_001288722.2, NM_001288723.2); short protein forms P176S, P183S.
Identifiers: ClinVar variation 4083211 (VCV004083211.1).

ClinVar aggregate classification (germline): Uncertain significance (1 of 4 stars; one submission).

Submission:

GeneDx
Classification: Uncertain significance. Last evaluated: 2025-03-11. Review status: criteria provided, single submitter. Criteria: GeneDx Variant Classification Process June 2021. Collection method: clinical testing. Allele origin: germline. Affected: yes.
Comment: Not observed at significant frequency in large population cohorts (gnomAD); In silico analysis indicates that this missense variant does not alter protein structure/function; Has not been previously published as pathogenic or benign to our knowledge